The following is an entry in ClinVar:

NM_001256789.3(CACNA1F):c.3061G>A (p.Glu1021Lys)

Gene: CACNA1F (calcium voltage-gated channel subunit alpha1 F; minus strand). Cytogenetic location: Xp11.23.
Variant type: single nucleotide variant.
Coding change: c.3061G>A on transcript NM_001256789.3 (MANE Select); coding-DNA position 3061, G replaced by A.
Protein change: p.Glu1021Lys; replaces glutamic acid 1021 with lysine.
Molecular consequence: missense variant.
Genome position (GRCh38, 1-based): chrX:49,217,783, C>T on the plus strand (G>A on the coding strand, the complement: CACNA1F is on the minus strand). VCF-style: chrX-49217783-C-T. GRCh37 (hg19) VCF-style: chrX-49074242-C-T.
Other names: c.2899G>A, p.Glu967Lys (NM_001256790.3); c.3094G>A, p.Glu1032Lys (NM_005183.4); short protein forms E1021K, E967K, E1032K.
Identifiers: ClinVar variation 940354 (VCV000940354.12), dbSNP rs200976011, ClinGen allele CA10410544.

ClinVar aggregate classification (germline): Conflicting classifications of pathogenicity. Review status: criteria provided, conflicting classifications (1 of 4 stars). 3 submissions from 3 submitters: Uncertain significance (2); Likely benign (1). Last evaluated 2025-10-19.

Conditions:
CACNA1F-related disorder. Also called: CACNA1F-related condition.

Allele frequency attached by ClinVar (database versions not stated): ExAC 0.00007; gnomAD 0.00007 and 0.00008; ESP Exome Variant Server 0.00009; TOPMed 0.00010; 1000 Genomes Project 30x 0.00042; 1000 Genomes Project 0.00053; gnomAD exomes 0.00002 and 0.00004.
gnomAD v4.1: 31 of 1,207,182 alleles (0.0026%); highest among the groups gnomAD compares: African/African-American, 0.03%; no homozygotes.

Submissions (3):

PreventionGenetics, part of Exact Sciences
Classification: Uncertain significance for CACNA1F-related condition. Last evaluated: 2025-10-19. Review status: criteria provided, single submitter. Criteria: ACMG Guidelines, 2015. Collection method: clinical testing. Allele origin: germline.
Comment: The CACNA1F c.3094G>A variant is predicted to result in the amino acid substitution p.Glu1032Lys. This variant has been reported in the homozygous state in an individual with an undefined retinopathy(Huang et al. 2017. PubMed ID: 28512305). This variant is reported in 0.037% of alleles in individuals of African descent in gnomAD. Although we suspect this variant may be pathogenic, at this time, the clinical significance of this variant is uncertain due to the absence of conclusive functional and genetic evidence.

Labcorp Genetics (formerly Invitae), Labcorp
Classification: Likely benign. Last evaluated: 2025-06-04. Review status: criteria provided, single submitter. Criteria: Invitae Variant Classification Sherloc (09022015). Collection method: clinical testing. Allele origin: germline.

Blueprint Genetics
Classification: Uncertain significance. Last evaluated: 2019-09-02. Review status: criteria provided, single submitter. Criteria: ACMG Guidelines, 2015. Collection method: clinical testing. Allele origin: germline.